The following is an entry in ClinVar:

NM_000455.5(STK11):c.671_920+333del

Gene: STK11 (serine/threonine kinase 11; plus strand). Cytogenetic location: 19p13.3.
Variant type: Deletion.
Coding change: c.671_920+333del on transcript NM_000455.5 (MANE Select); coding-DNA position 671 through 333 bases into the intron after coding-DNA position 920, 1,686 bases deleted.
Genome position (GRCh38, 1-based): chr19:1,220,654-1,222,339, 1,686 bases deleted. GRCh37 (hg19): chr19:1,220,653-1,222,338.
Identifiers: ClinVar variation 852377 (VCV000852377.1), ClinGen allele CA916081945.

ClinVar aggregate classification (germline): Pathogenic (1 of 4 stars; one submission).

Conditions:
Peutz-Jeghers syndrome (PJS). Also called: POLYPOSIS, HAMARTOMATOUS INTESTINAL; POLYPS-AND-SPOTS SYNDROME; Peutz-Jeghers polyposis; Periorificial lentiginosis syndrome. Identifiers: Orphanet 2869, MedGen C0031269, MeSH D010580, MONDO:0008280, OMIM 175200.

Submission:

Labcorp Genetics (formerly Invitae), Labcorp
Classification: Pathogenic for Peutz-Jeghers syndrome. Last evaluated: 2019-02-01. Review status: criteria provided, single submitter. Criteria: Invitae Variant Classification Sherloc (09022015). Collection method: clinical testing. Allele origin: germline.
Comment: This variant is a deletion of the genomic region encompassing exons 6-7 and part of exon 5 (c.670_920+332) of the STK11 gene. It is expected to disrupt RNA splicing and likely results in an absent or disrupted protein product. This variant has not been reported in the literature in individuals with STK11-related conditions. This variant disrupts the p.Arg297 amino acid residue in STK11. Other variant(s) that disrupt this residue have been observed in individuals with STK11-related conditions (PMID:10408777, 24652667, 26607058, 28185117), suggesting that it is a clinically significant residue. As a result, variants that disrupt this residue are likely to be causative of disease. Loss-of-function variants in STK11 are known to be pathogenic (PMID: 15188174, 16287113). For these reasons, this variant has been classified as Pathogenic.

Literature cited by the submitters: PubMed 28185117; PubMed 26607058; PubMed 10408777; PubMed 24652667.